The following is an entry in ClinVar:

ClinVar aggregate classification (germline): Uncertain significance. Review status: criteria provided, multiple submitters, no conflicts (2 of 4 stars). 2 submissions from 2 submitters: Uncertain significance (2). Last evaluated 2024-08-28.

Conditions:
Familial isolated arrhythmogenic right ventricular dysplasia. Identifiers: Orphanet 217656, MedGen C4274968, MONDO:0016342.
Arrhythmogenic right ventricular dysplasia 11. Also called: ARRHYTHMOGENIC RIGHT VENTRICULAR DYSPLASIA, FAMILIAL, 11; Arrhythmogenic Right Ventricular Dysplasia/Cardiomyopathy11; Arrhythmogenic right ventricular dysplasia 11 with mild palmoplantar keratoderma and woolly hair. Identifiers: MedGen C1864850, MONDO:0012506, OMIM 610476.

Allele frequency attached by ClinVar (database versions not stated): gnomAD 0.00001; TOPMed 0.00003; ESP Exome Variant Server 0.00008; ExAC 0.00001.
gnomAD v4.1: 2 of 1,613,590 alleles (0.00012%); highest among the groups gnomAD compares: African/African-American, 0.0027%; no homozygotes.

Submissions (2):

Labcorp Genetics (formerly Invitae), Labcorp
Classification: Uncertain significance for Arrhythmogenic right ventricular dysplasia 11. Last evaluated: 2024-08-28. Review status: criteria provided, single submitter. Criteria: Invitae Variant Classification Sherloc (09022015). Collection method: clinical testing. Allele origin: germline.
Comment: This sequence change replaces serine, which is neutral and polar, with asparagine, which is neutral and polar, at codon 67 of the DSC2 protein (p.Ser67Asn). This variant is present in population databases (rs374613780, gnomAD 0.008%). This variant has not been reported in the literature in individuals affected with DSC2-related conditions. Invitae Evidence Modeling of protein sequence and biophysical properties (such as structural, functional, and spatial information, amino acid conservation, physicochemical variation, residue mobility, and thermodynamic stability) indicates that this missense variant is not expected to disrupt DSC2 protein function with a negative predictive value of 80%. In summary, the available evidence is currently insufficient to determine the role of this variant in disease. Therefore, it has been classified as a Variant of Uncertain Significance.

All of Us Research Program, National Institutes of Health
Classification: Uncertain significance for Familial isolated arrhythmogenic right ventricular dysplasia. Last evaluated: 2023-07-10. Review status: criteria provided, single submitter. Criteria: ACMG Guidelines, 2015. Collection method: clinical testing. Allele origin: germline. Inheritance: Autosomal dominant inheritance. Observed: 1 variant allele, 1 heterozygote.
Comment: This missense variant replaces serine with asparagine at codon 67 of the DSC2 protein. Computational prediction suggests that this variant may not impact protein structure and function (internally defined REVEL score threshold <= 0.5, PMID: 27666373). To our knowledge, functional studies have not been reported for this variant. This variant has not been reported in individuals affected with DSC2-related disorders in the literature. This variant has been identified in 2/282316 chromosomes in the general population by the Genome Aggregation Database (gnomAD). The available evidence is insufficient to determine the role of this variant in disease conclusively. Therefore, this variant is classified as a Variant of Uncertain Significance.

This study involves interpretation of variants in research participants for the purpose of population health screening. Participant phenotype was not available at the time of variant classification. Additional details can be found in publication PMID: 35346344, PMCID: PMC8962531

NM_024422.6(DSC2):c.200G>A (p.Ser67Asn)

Gene: DSC2 (desmocollin 2; minus strand). Cytogenetic location: 18q12.1.
Variant type: single nucleotide variant.
Coding change: c.200G>A on transcript NM_024422.6 (MANE Select); coding-DNA position 200, G replaced by A.
Protein change: p.Ser67Asn; replaces serine 67 with asparagine.
Molecular consequence: missense variant. On other transcripts: 5 prime UTR variant (2).
Genome position (GRCh38, 1-based): chr18:31,092,255, C>T on the plus strand (G>A on the coding strand, the complement: DSC2 is on the minus strand). VCF-style: chr18-31092255-C-T. GRCh37 (hg19) VCF-style: chr18-28672218-C-T.
Other names: c.-230G>A (NM_001406506.1, NM_001406507.1); c.200G>A, p.Ser67Asn (NM_004949.5); short protein forms S67N.
Identifiers: ClinVar variation 3072387 (VCV003072387.3), dbSNP rs374613780, ClinGen allele CA034248.